The following is an entry in ClinVar:

ClinVar aggregate classification (germline): Uncertain significance (1 of 4 stars; one submission).

Conditions:
MHC class II deficiency. Also called: BLS, TYPE II; Bare lymphocyte syndrome 2. Identifiers: Orphanet 572, MedGen C5447452, MONDO:0008855.

Submission:

Labcorp Genetics (formerly Invitae), Labcorp
Classification: Uncertain significance for MHC class II deficiency. Last evaluated: 2020-01-28. Review status: criteria provided, single submitter. Criteria: Invitae Variant Classification Sherloc (09022015). Collection method: clinical testing. Allele origin: germline.
Comment: This sequence change replaces threonine with arginine at codon 1109 of the CIITA protein (p.Thr1109Arg). The threonine residue is moderately conserved and there is a moderate physicochemical difference between threonine and arginine. This variant is not present in population databases (ExAC no frequency). This variant has not been reported in the literature in individuals with CIITA-related disease. Algorithms developed to predict the effect of missense changes on protein structure and function do not agree on the potential impact of this missense change (SIFT: "Deleterious"; PolyPhen-2: "Probably Damaging"; Align-GVGD: "Class C0"). In summary, the available evidence is currently insufficient to determine the role of this variant in disease. Therefore, it has been classified as a Variant of Uncertain Significance.

NM_000246.4(CIITA):c.3326C>G (p.Thr1109Arg)

Gene: CIITA (class II major histocompatibility complex transactivator; plus strand). Cytogenetic location: 16p13.13.
Variant type: single nucleotide variant.
Coding change: c.3326C>G on transcript NM_000246.4 (MANE Select); coding-DNA position 3326, C replaced by G.
Protein change: p.Thr1109Arg; replaces threonine 1109 with arginine.
Molecular consequence: missense variant. On other transcripts: non-coding transcript variant (1).
Genome position (GRCh38, 1-based): chr16:10,923,236, C>G. VCF-style: chr16-10923236-C-G. GRCh37 (hg19) VCF-style: chr16-11017093-C-G.
Other names: c.3329C>G, p.Thr1110Arg (NM_001286402.1, NM_001379332.1); c.1574C>G, p.Thr525Arg (NM_001286403.2); c.3182C>G, p.Thr1061Arg (NM_001379330.1); c.3179C>G, p.Thr1060Arg (NM_001379331.1); c.3326C>G, p.Thr1109Arg (NM_001379333.1); c.3257C>G, p.Thr1086Arg (NM_001379334.1); short protein forms T1109R, T525R, T1110R, T1060R, T1061R, T1086R.
Identifiers: ClinVar variation 528780 (VCV000528780.8), dbSNP rs1013962316, ClinGen allele CA394724577.
Genomic context (GRCh38, chr16:10,923,236, plus strand): 5'-CAGGCCGCCCTCTCTCCTCTAACCTGGCTCTGAGTCCCATCCCCCCTTGCAGGATGTGGA[C>G]GCCCACCATCCCATTCAGTGTCCAGGAACACCTGCAACAACAGGATTCACGGATCAGCCT-3'
Protein context (NP_000237.2, residues 1099-1119): CPHVETLAMW[Thr1109Arg]PTIPFSVQEH